The following is an entry in ClinVar:

ClinVar aggregate classification (germline): Pathogenic (1 of 4 stars; one submission).

Conditions:
Primary ciliary dyskinesia 3. Identifiers: Orphanet 244, MedGen C1837618, MONDO:0012085, OMIM 608644.

Submission:

Myriad Genetics, Inc.
Classification: Pathogenic for Primary ciliary dyskinesia 3. Last evaluated: 2024-05-14. Review status: criteria provided, single submitter. Criteria: Myriad Autosomal Dominant, Autosomal Recessive and X-Linked Classification Criteria (2023). Collection method: clinical testing. Allele origin: unknown.
Comment: NM_001369.2(DNAH5):c.9973_9979del7ins5(C3325Rfs*15) is expected to be pathogenic in the context of primary ciliary dyskinesia, DNAH5-related. This variant is predicted to lead to an abnormal or absent protein product due to the creation of a premature termination codon in DNAH5, a gene where loss-of-function variants are known to be pathogenic. Please note: this variant was assessed in the context of healthy population screening.

NM_001369.3(DNAH5):c.9973_9979delinsCGTCG (p.Cys3325fs)

Gene: DNAH5 (dynein axonemal heavy chain 5; minus strand). Cytogenetic location: 5p15.2.
Variant type: Indel.
Coding change: c.9973_9979delinsCGTCG on transcript NM_001369.3 (MANE Select); coding-DNA positions 9973 to 9979, TGCGTAC replaced by CGTCG.
Protein change: p.Cys3325fs; shifts the reading frame from cysteine 3325.
Molecular consequence: frameshift variant.
Genome position (GRCh38, 1-based): chr5:13,766,098-13,766,104, GTACGCA replaced by CGACG on the plus strand (TGCGTAC replaced by CGTCG on the coding strand, the reverse complement: DNAH5 is on the minus strand). VCF-style: chr5-13766098-GTACGCA-CGACG. GRCh37 (hg19) VCF-style: chr5-13766207-GTACGCA-CGACG.
Other names: short protein forms C3325fs.
Identifiers: ClinVar variation 5010491 (VCV005010491.1).